The following is an entry in ClinVar:

NM_001101426.4(CRPPA):c.360C>G (p.Val120=)

Gene: CRPPA (CDP-L-ribitol pyrophosphorylase A; minus strand). Cytogenetic location: 7p21.2.
Variant type: single nucleotide variant.
Coding change: c.360C>G on transcript NM_001101426.4 (MANE Select); coding-DNA position 360, C replaced by G.
Protein change: p.Val120=; no amino-acid change (valine 120 retained).
Molecular consequence: synonymous variant. On other transcripts: non-coding transcript variant (1).
Genome position (GRCh38, 1-based): chr7:16,406,235, G>C on the plus strand (C>G on the coding strand, the complement: CRPPA is on the minus strand). VCF-style: chr7-16406235-G-C. GRCh37 (hg19) VCF-style: chr7-16445860-G-C.
Other names: c.360C>G, p.Val120= (NM_001101417.4, NM_001368197.1).
Identifiers: ClinVar variation 359591 (VCV000359591.44), dbSNP rs183141256, ClinGen allele CA4169626.

ClinVar aggregate classification (germline): Conflicting classifications of pathogenicity. Review status: criteria provided, conflicting classifications (1 of 4 stars). 5 submissions from 5 submitters: Uncertain significance (1); Likely benign (3). 1 of the submissions does not count toward it. Last evaluated 2026-02-01.

Conditions:
CRPPA-related disorder.
Congenital Muscular Dystrophy, alpha-dystroglycan related.
Muscular dystrophy-dystroglycanopathy (congenital with brain and eye anomalies), type A, 7. Also called: WALKER-WARBURG SYNDROME OR MUSCLE-EYE-BRAIN DISEASE, ISPD-RELATED; Congenital muscular dystrophy-dystroglycanopathy with brain and eye anomalies, type A7. Identifiers: Orphanet 899, MedGen C3553330, MONDO:0013835, OMIM 614643.
Autosomal recessive limb-girdle muscular dystrophy type 2U. Also called: Muscular dystrophy-dystroglycanopathy (limb-girdle), type c, 7; MUSCULAR DYSTROPHY, LIMB-GIRDLE, TYPE 2U. Identifiers: Orphanet 352479, MedGen C5190987, MONDO:0014474, OMIM 616052.

Allele frequency attached by ClinVar (database versions not stated): TOPMed 0.00018.
gnomAD v4.1: 249 of 1,613,662 alleles (0.015%); highest among the groups gnomAD compares: Non-Finnish European, 0.019%; no homozygotes.

Submissions (5):

CeGaT Center for Human Genetics Tuebingen
Classification: Likely benign. Last evaluated: 2026-02-01. Review status: criteria provided, single submitter. Criteria: CeGaT Center For Human Genetics Tuebingen Variant Classification Criteria Version 2. Collection method: clinical testing. Allele origin: germline. Affected: yes. Observed: 2 variant alleles.
Comment: CRPPA: BP4, BP7

Labcorp Genetics (formerly Invitae), Labcorp
Classification: Likely benign for Muscular dystrophy-dystroglycanopathy (congenital with brain and eye anomalies), type A, 7; Autosomal recessive limb-girdle muscular dystrophy type 2U. Last evaluated: 2025-05-28. Review status: criteria provided, single submitter. Criteria: Invitae Variant Classification Sherloc (09022015). Collection method: clinical testing. Allele origin: germline.

Blueprint Genetics
Classification: Likely benign. Last evaluated: 2024-05-16. Review status: criteria provided, single submitter. Criteria: ACMG Guidelines, 2015. Collection method: clinical testing. Allele origin: germline.

Illumina Laboratory Services, Illumina
Classification: Uncertain significance for Congenital Muscular Dystrophy, alpha-dystroglycan related. Last evaluated: 2018-01-13. Review status: criteria provided, single submitter. Criteria: ICSL Variant Classification Criteria 13 December 2019. Collection method: clinical testing. Allele origin: germline.

PreventionGenetics, part of Exact Sciences
Classification: Likely benign for CRPPA-related condition. Last evaluated: 2019-03-20. Review status: no assertion criteria provided. Collection method: clinical testing. Allele origin: germline. Not counted in ClinVar's aggregate classification.
Comment: This variant is classified as likely benign based on ACMG/AMP sequence variant interpretation guidelines (Richards et al. 2015 PMID: 25741868, with internal and published modifications).